The following is an entry in ClinVar:

NM_004006.3(DMD):c.385G>A (p.Ala129Thr)

Gene: DMD (dystrophin; minus strand). Cytogenetic location: Xp21.1.
Variant type: single nucleotide variant.
Coding change: c.385G>A on transcript NM_004006.3 (MANE Select); coding-DNA position 385, G replaced by A.
Protein change: p.Ala129Thr; replaces alanine 129 with threonine.
Molecular consequence: missense variant.
Genome position (GRCh38, 1-based): chrX:32,816,613, C>T on the plus strand (G>A on the coding strand, the complement: DMD is on the minus strand). VCF-style: chrX-32816613-C-T. GRCh37 (hg19) VCF-style: chrX-32834730-C-T.
Other names: c.361G>A, p.Ala121Thr (NM_000109.4); c.373G>A, p.Ala125Thr (NM_004009.3); c.16G>A, p.Ala6Thr (NM_004010.3); short protein forms A129T, A121T, A125T, A6T.
Identifiers: ClinVar variation 426297 (VCV000426297.2), dbSNP rs1085307548, ClinGen allele CA412674331.

ClinVar aggregate classification (germline): Uncertain significance (1 of 4 stars; one submission).

Allele frequency attached by ClinVar (database versions not stated): gnomAD exomes below 0.00001.

Submission:

GeneDx
Classification: Uncertain significance. Last evaluated: 2017-04-20. Review status: criteria provided, single submitter. Criteria: GeneDx Variant Classification (06012015). Collection method: clinical testing. Allele origin: germline. Affected: yes.
Comment: The A129T variant has not been published as pathogenic or been reported as benign to our knowledge. The A129T variant is not observed in large population cohorts (Lek et al., 2016; 1000 Genomes Consortium et al., 2015; Exome Variant Server). The A129T variant is a non-conservative amino acid substitution, which is likely to impact secondary protein structure as these residues differ in polarity, charge, size and/or other properties. This substitution occurs at a position that is conserved in mammals. Nevertheless, in silico analysis is inconsistent in its predictions as to whether or not the variant is damaging to the protein structure/function. Furthermore, missense variants represent the minority of disease-causing variants, with 65-70% of pathogenic variants in the DMD gene being exon-level deletions and duplications (Aartsma-Rus et al., 2006).